The following is an entry in ClinVar:

ClinVar aggregate classification (germline): Uncertain significance. Review status: criteria provided, multiple submitters, no conflicts (2 of 4 stars). 2 submissions from 2 submitters: Uncertain significance (2). Last evaluated 2025-08-09.

Conditions:
Myofibrillar myopathy 4. Also called: Zaspopathy (type). Identifiers: Orphanet 98912, MedGen C4721886, MONDO:0012277, OMIM 609452.

Submissions (2):

Labcorp Genetics (formerly Invitae), Labcorp
Classification: Uncertain significance for Myofibrillar myopathy 4. Last evaluated: 2025-08-09. Review status: criteria provided, single submitter. Criteria: Invitae Variant Classification Sherloc (09022015). Collection method: clinical testing. Allele origin: germline.
Comment: The LDB3 gene has multiple clinically relevant transcripts. This variant occurs in alternate transcript NM_007078.3, and corresponds to NM_001080116.1:c.*17036C>G in the primary transcript. This sequence change replaces proline, which is neutral and non-polar, with alanine, which is neutral and non-polar, at codon 439 of the LDB3 protein (p.Pro439Ala). This variant is not present in population databases (gnomAD no frequency). This variant has not been reported in the literature in individuals affected with LDB3-related conditions. Experimental studies and prediction algorithms are not available or were not evaluated, and the functional significance of this variant is currently unknown. In summary, the available evidence is currently insufficient to determine the role of this variant in disease. Therefore, it has been classified as a Variant of Uncertain Significance.

GeneDx
Classification: Uncertain significance. Last evaluated: 2024-01-22. Review status: criteria provided, single submitter. Criteria: GeneDx Variant Classification Process June 2021. Collection method: clinical testing. Allele origin: germline. Affected: yes.
Comment: Not observed at significant frequency in large population cohorts (gnomAD); In silico analysis supports that this missense variant does not alter protein structure/function; Has not been previously published as pathogenic or benign to our knowledge; Reported using an alternate transcript of the gene

NM_007078.3(LDB3):c.1315C>G (p.Pro439Ala)

Gene: LDB3 (LIM domain binding 3; plus strand). Cytogenetic location: 10q23.2.
Variant type: single nucleotide variant.
Coding change: c.1315C>G on transcript NM_007078.3 (MANE Select); coding-DNA position 1315, C replaced by G.
Protein change: p.Pro439Ala; replaces proline 439 with alanine.
Molecular consequence: missense variant.
Genome position (GRCh38, 1-based): chr10:86,716,410, C>G. VCF-style: chr10-86716410-C-G. GRCh37 (hg19) VCF-style: chr10-88476167-C-G.
Other names: c.985C>G, p.Pro329Ala (NM_001080114.2); c.1330C>G, p.Pro444Ala (NM_001171610.2); c.1126C>G, p.Pro376Ala (NM_001368064.1, NM_001368065.1); c.1174C>G, p.Pro392Ala (NM_001368066.1); short protein forms P329A, P376A, P392A, P439A, P444A.
Identifiers: ClinVar variation 3367993 (VCV003367993.2).